The following is an entry in ClinVar:

NC_000014.8:g.(?_76368465)_(76368587_?)del

Gene: TTLL5 (tubulin tyrosine ligase like 5; plus strand). Cytogenetic location: 14q24.3.
Variant type: Deletion.
Identifiers: ClinVar variation 1411893 (VCV001411893.7).

ClinVar aggregate classification (germline): Uncertain significance (1 of 4 stars; one submission).

Submission:

Labcorp Genetics (formerly Invitae), Labcorp
Classification: Uncertain significance. Last evaluated: 2022-02-09. Review status: criteria provided, single submitter. Criteria: Invitae Variant Classification Sherloc (09022015). Collection method: clinical testing. Allele origin: germline.
Comment: In summary, the available evidence is currently insufficient to determine the role of this variant in disease. Therefore, it has been classified as a Variant of Uncertain Significance. Experimental studies and prediction algorithms are not available or were not evaluated, and the functional significance of this variant is currently unknown. This variant has not been reported in the literature in individuals affected with TTLL5-related conditions. This variant is a gross deletion of the genomic region encompassing exon(s) 31 of the TTLL5 gene. While this deletion is not anticipated to lead to nonsense mediated decay, it is expected to disrupt the C-terminus of the protein.